The following is an entry in ClinVar:

NM_198578.4(LRRK2):c.2579G>A (p.Ser860Asn)

Gene: LRRK2 (leucine rich repeat kinase 2; plus strand). Cytogenetic location: 12q12.
Variant type: single nucleotide variant.
Coding change: c.2579G>A on transcript NM_198578.4 (MANE Select); coding-DNA position 2579, G replaced by A.
Protein change: p.Ser860Asn; replaces serine 860 with asparagine.
Molecular consequence: missense variant.
Genome position (GRCh38, 1-based): chr12:40,287,429, G>A. VCF-style: chr12-40287429-G-A. GRCh37 (hg19) VCF-style: chr12-40681231-G-A.
Other names: short protein forms S860N.
Identifiers: ClinVar variation 881645 (VCV000881645.4), dbSNP rs747546304, ClinGen allele CA6513678.
Genomic context (GRCh38, chr12:40,287,429, plus strand): 5'-CAAGAATGGTGATCAGATATCAGATGAAAAGTGCTGTGGAAGAAGGAACAGCCTCAGGCA[G>A]CGATGGAAATTTTTCTGAAGATGTGCTGTCTAAATTTGATGAATGGACCTTTATTCCTGA-3'
Protein context (NP_940980.4, residues 850-870): SAVEEGTASG[Ser860Asn]DGNFSEDVLS

ClinVar aggregate classification (germline): Likely benign (1 of 4 stars; one submission).

Conditions:
Autosomal dominant Parkinson disease 8. Also called: LRRK2-Related Parkinson Disease; Parkinson disease 8; Parkinson disease 8, susceptibility to. Identifiers: Orphanet 411602, MedGen C1846862, MONDO:0011764, OMIM 607060.

Allele frequency attached by ClinVar (database versions not stated): gnomAD 0.00001; gnomAD exomes 0.00001 and 0.00002; TOPMed 0.00001; ExAC 0.00003.
gnomAD v4.1: 11 of 1,612,648 alleles (0.00068%); highest among the groups gnomAD compares: East Asian, 0.0022%; no homozygotes.

Submission:

Illumina Laboratory Services, Illumina
Classification: Likely benign for Autosomal dominant Parkinson disease 8. Last evaluated: 2018-01-13. Review status: criteria provided, single submitter. Criteria: ICSL Variant Classification Criteria 13 December 2019. Collection method: clinical testing. Allele origin: germline.
Comment: This variant was observed in the ICSL laboratory as part of a predisposition screen in an ostensibly healthy population. It had not been previously curated by ICSL or reported in the Human Gene Mutation Database (HGMD: prior to June 1st, 2018), and was therefore a candidate for classification through an automated scoring system. Utilizing variant allele frequency, disease prevalence and penetrance estimates, and inheritance mode, an automated score was calculated to assess if this variant is too frequent to cause the disease. Based on the score and internal cut-off values, a variant classified as likely benign is not then subjected to further curation. The score for this variant resulted in a classification of likely benign for this disease.